The following is an entry in ClinVar:

NM_020971.3(SPTBN4):c.5746C>T (p.Arg1916Trp)

Gene: SPTBN4 (spectrin beta, non-erythrocytic 4; plus strand). Cytogenetic location: 19q13.2.
Variant type: single nucleotide variant.
Coding change: c.5746C>T on transcript NM_020971.3 (MANE Select); coding-DNA position 5746, C replaced by T.
Protein change: p.Arg1916Trp; replaces arginine 1916 with tryptophan.
Molecular consequence: missense variant.
Genome position (GRCh38, 1-based): chr19:40,560,234, C>T. VCF-style: chr19-40560234-C-T. GRCh37 (hg19) VCF-style: chr19-41066140-C-T.
Other names: c.1774C>T, p.Arg592Trp (NM_025213.3); short protein forms R1916W, R592W.
Identifiers: ClinVar variation 3032345 (VCV003032345.3), dbSNP rs373577072, ClinGen allele CA9446594.

ClinVar aggregate classification (germline): Uncertain significance. Review status: criteria provided, single submitter (1 of 4 stars). 2 submissions from 2 submitters: Uncertain significance (1). 1 of the submissions does not count toward it. Last evaluated 2024-10-08.

Conditions:
SPTBN4-related disorder. Also called: SPTBN4-related condition.

Allele frequency attached by ClinVar (database versions not stated): gnomAD 0.00003; ExAC 0.00006; TOPMed 0.00006; ESP Exome Variant Server 0.00008; gnomAD exomes 0.00009.
gnomAD v4.1: 130 of 1,611,728 alleles (0.0081%); highest among the groups gnomAD compares: Non-Finnish European, 0.011%; no homozygotes.

Submissions (2):

Blueprint Genetics
Classification: Uncertain significance. Last evaluated: 2024-10-08. Review status: criteria provided, single submitter. Criteria: ACMG Guidelines, 2015. Collection method: clinical testing. Allele origin: germline.

PreventionGenetics, part of Exact Sciences
Classification: Uncertain significance for SPTBN4-related condition. Last evaluated: 2024-07-16. Review status: no assertion criteria provided. Collection method: clinical testing. Allele origin: germline. Not counted in ClinVar's aggregate classification.
Comment: The SPTBN4 c.5746C>T variant is predicted to result in the amino acid substitution p.Arg1916Trp. This variant was reported, de novo, in an individual with orofacial clefting (supplementary data, Bishop et al. 2020. PubMed ID: 32574564). This variant is reported in 0.0093% of alleles in individuals of European (Non-Finnish) descent in gnomAD. At this time, the clinical significance of this variant is uncertain due to the absence of conclusive functional and genetic evidence.